The following is an entry in ClinVar:

NM_014915.3(ANKRD26):c.285A>G (p.Val95=)

Gene: ANKRD26 (ankyrin repeat domain 26; minus strand). Cytogenetic location: 10p12.1.
Variant type: single nucleotide variant.
Coding change: c.285A>G on transcript NM_014915.3 (MANE Select); coding-DNA position 285, A replaced by G.
Protein change: p.Val95=; no amino-acid change (valine 95 retained).
Molecular consequence: synonymous variant.
Genome position (GRCh38, 1-based): chr10:27,093,757, T>C on the plus strand (A>G on the coding strand, the complement: ANKRD26 is on the minus strand). VCF-style: chr10-27093757-T-C. GRCh37 (hg19) VCF-style: chr10-27382686-T-C.
Other names: c.285A>G, p.Val95= (NM_001256053.2).
Identifiers: ClinVar variation 4994303 (VCV004994303.1).

ClinVar aggregate classification (germline): Likely benign (1 of 4 stars; one submission).

Conditions:
ANKRD26-related disorder. Also called: ANKRD26-related condition.

gnomAD v4.1: 1 of 1,614,226 alleles (0.000062%); highest among the groups gnomAD compares: Non-Finnish European, 0.000085%; no homozygotes.

Submission:

PreventionGenetics, part of Exact Sciences
Classification: Likely benign for ANKRD26-related condition. Last evaluated: 2025-12-09. Review status: criteria provided, single submitter. Criteria: ACMG Guidelines, 2015. Collection method: clinical testing. Allele origin: germline.
Comment: This variant is classified as likely benign based on ACMG/AMP sequence variant interpretation guidelines (Richards et al. 2015 PMID: 25741868, with internal and published modifications).